The following is an entry in ClinVar:

NM_144670.6(A2ML1):c.375G>T (p.Gln125His)

Genes: A2ML1 (alpha-2-macroglobulin like 1; plus strand), A2ML1-AS1 (A2ML1 antisense RNA 1; minus strand). Cytogenetic location: 12p13.31.
Variant type: single nucleotide variant.
Coding change: c.375G>T on transcript NM_144670.6 (MANE Select); coding-DNA position 375, G replaced by T.
Protein change: p.Gln125His; replaces glutamine 125 with histidine.
Molecular consequence: missense variant.
Genome position (GRCh38, 1-based): chr12:8,823,848, G>T. VCF-style: chr12-8823848-G-T. GRCh37 (hg19) VCF-style: chr12-8976444-G-T.
Other names: c.375G>T (NM_144670.5); short protein forms Q125H.
Identifiers: ClinVar variation 644546 (VCV000644546.12), dbSNP rs377484849, ClinGen allele CA6435248.

ClinVar aggregate classification (germline): Uncertain significance. Review status: criteria provided, multiple submitters, no conflicts (2 of 4 stars). 3 submissions from 3 submitters: Uncertain significance (3). Last evaluated 2025-10-17.

Conditions:
Otitis media, susceptibility to (OMS). Also called: COME/ROM; OTITIS MEDIA, CHRONIC/RECURRENT. Identifiers: MedGen C1833692, MONDO:0008162, OMIM 166760.

Allele frequency attached by ClinVar (database versions not stated): ExAC 0.00004; gnomAD 0.00004 and 0.00005; 1000 Genomes Project 30x 0.00031; gnomAD exomes 0.00002 and 0.00001; ESP Exome Variant Server 0.00017; TOPMed 0.00004; 1000 Genomes Project 0.00020.
gnomAD v4.1: 16 of 1,613,744 alleles (0.00099%); highest among the groups gnomAD compares: African/African-American, 0.017%; no homozygotes.

Submissions (3):

Labcorp Genetics (formerly Invitae), Labcorp
Classification: Uncertain significance. Last evaluated: 2025-10-17. Review status: criteria provided, single submitter. Criteria: Invitae Variant Classification Sherloc (09022015). Collection method: clinical testing. Allele origin: germline.
Comment: This sequence change replaces glutamine, which is neutral and polar, with histidine, which is basic and polar, at codon 125 of the A2ML1 protein (p.Gln125His). This variant is present in population databases (rs377484849, gnomAD 0.04%). This variant has not been reported in the literature in individuals affected with A2ML1-related conditions. ClinVar contains an entry for this variant (Variation ID: 644546). An algorithm developed to predict the effect of missense changes on protein structure and function outputs the following: PolyPhen-2: "Probably Damaging". The histidine amino acid residue is found in multiple mammalian species, which suggests that this missense change does not adversely affect protein function. In summary, the available evidence is currently insufficient to determine the role of this variant in disease. Therefore, it has been classified as a Variant of Uncertain Significance.

Women's Health and Genetics/Laboratory Corporation of America, LabCorp
Classification: Uncertain significance. Last evaluated: 2023-03-20. Review status: criteria provided, single submitter. Criteria: LabCorp Variant Classification Summary - May 2015. Collection method: clinical testing. Allele origin: germline.

Fulgent Genetics
Classification: Uncertain significance for Otitis media, susceptibility to. Last evaluated: 2022-02-02. Review status: criteria provided, single submitter. Criteria: ACMG Guidelines, 2015. Collection method: clinical testing. Allele origin: unknown.